The following is an entry in ClinVar:

NM_015335.5(MED13L):c.3943A>T (p.Ile1315Phe)

Gene: MED13L (mediator complex subunit 13L; minus strand). Cytogenetic location: 12q24.21.
Variant type: single nucleotide variant.
Coding change: c.3943A>T on transcript NM_015335.5 (MANE Select); coding-DNA position 3943, A replaced by T.
Protein change: p.Ile1315Phe; replaces isoleucine 1315 with phenylalanine.
Molecular consequence: missense variant.
Genome position (GRCh38, 1-based): chr12:115,987,280, T>A on the plus strand (A>T on the coding strand, the complement: MED13L is on the minus strand). VCF-style: chr12-115987280-T-A. GRCh37 (hg19) VCF-style: chr12-116425085-T-A.
Other names: short protein forms I1315F.
Identifiers: ClinVar variation 3370638 (VCV003370638.1).

ClinVar aggregate classification (germline): Uncertain significance (1 of 4 stars; one submission).

Submission:

GeneDx
Classification: Uncertain significance. Last evaluated: 2024-03-06. Review status: criteria provided, single submitter. Criteria: GeneDx Variant Classification Process June 2021. Collection method: clinical testing. Allele origin: germline. Affected: yes.
Comment: Not observed at significant frequency in large population cohorts (gnomAD); In silico analysis supports that this missense variant does not alter protein structure/function; Has not been previously published as pathogenic or benign to our knowledge